The following is an entry in ClinVar:

ClinVar aggregate classification (germline): Benign/Likely benign. Review status: criteria provided, multiple submitters, no conflicts (2 of 4 stars). 7 submissions from 7 submitters: Benign (4); Likely benign (3). Last evaluated 2026-02-01.

Conditions:
Emery-Dreifuss muscular dystrophy 5, autosomal dominant (EDMD5). Also called: EMERY-DREIFUSS MUSCULAR DYSTROPHY 5. Identifiers: Orphanet 261, MedGen C2751805, MONDO:0013072, OMIM 612999.

Allele frequency attached by ClinVar (database versions not stated): 1000 Genomes Project 0.00060; TOPMed 0.00067; 1000 Genomes Project 30x 0.00078; gnomAD 0.00087; ExAC 0.00090; gnomAD exomes 0.00092 and 0.00111; ESP Exome Variant Server 0.00101.
gnomAD v4.1: 1,740 of 1,614,084 alleles (0.11%); highest among the groups gnomAD compares: Non-Finnish European, 0.13%; 1 homozygote.

Submissions (7):

CeGaT Center for Human Genetics Tuebingen
Classification: Likely benign. Last evaluated: 2026-02-01. Review status: criteria provided, single submitter. Criteria: CeGaT Center For Human Genetics Tuebingen Variant Classification Criteria Version 2. Collection method: clinical testing. Allele origin: germline. Affected: yes. Observed: 2 variant alleles.
Comment: SYNE2: BP4, BP7, BS1

Labcorp Genetics (formerly Invitae), Labcorp
Classification: Benign for Emery-Dreifuss muscular dystrophy 5, autosomal dominant. Last evaluated: 2026-01-24. Review status: criteria provided, single submitter. Criteria: Invitae Variant Classification Sherloc (09022015). Collection method: clinical testing. Allele origin: germline.

Laboratory of Genetics, Children's Clinical University Hospital Latvia
Classification: Likely benign. Last evaluated: 2025-02-16. Review status: criteria provided, single submitter. Criteria: ACMG Guidelines, 2015. Collection method: clinical testing. Allele origin: germline. Affected: yes.

Blueprint Genetics
Classification: Likely benign. Last evaluated: 2024-10-25. Review status: criteria provided, single submitter. Criteria: ACMG Guidelines, 2015. Collection method: clinical testing. Allele origin: germline.

Athena Diagnostics
Classification: Benign. Last evaluated: 2024-07-05. Review status: criteria provided, single submitter. Criteria: Athena Diagnostics Criteria. Collection method: clinical testing. Allele origin: unknown.

Illumina Laboratory Services, Illumina
Classification: Benign for Emery-Dreifuss muscular dystrophy 5, autosomal dominant. Last evaluated: 2018-01-13. Review status: criteria provided, single submitter. Criteria: ICSL Variant Classification Criteria 13 December 2019. Collection method: clinical testing. Allele origin: germline.
Comment: This variant was observed in the ICSL laboratory as part of a predisposition screen in an ostensibly healthy population. It had not been previously curated by ICSL or reported in the Human Gene Mutation Database (HGMD: prior to June 1st, 2018), and was therefore a candidate for classification through an automated scoring system. Utilizing variant allele frequency, disease prevalence and penetrance estimates, and inheritance mode, an automated score was calculated to assess if this variant is too frequent to cause the disease. Based on the score and internal cut-off values, a variant classified as benign is not then subjected to further curation. The score for this variant resulted in a classification of benign for this disease.

Breakthrough Genomics
Classification: Benign. Review status: criteria provided, single submitter. Criteria: ACMG Guidelines, 2015. Collection method: not provided. Allele origin: germline. Inheritance: Autosomal dominant inheritance. Affected: yes.

NM_182914.3(SYNE2):c.6690C>T (p.His2230=)

Gene: SYNE2 (spectrin repeat containing nuclear envelope protein 2; plus strand). Cytogenetic location: 14q23.2.
Variant type: single nucleotide variant.
Coding change: c.6690C>T on transcript NM_182914.3 (MANE Select); coding-DNA position 6690, C replaced by T.
Protein change: p.His2230=; no amino-acid change (histidine 2230 retained).
Molecular consequence: synonymous variant.
Genome position (GRCh38, 1-based): chr14:64,027,769, C>T. VCF-style: chr14-64027769-C-T. GRCh37 (hg19) VCF-style: chr14-64494487-C-T.
Other names: c.6690C>T, p.His2230= (NM_015180.6).
Identifiers: ClinVar variation 313526 (VCV000313526.29), dbSNP rs138272705, ClinGen allele CA7220743.